The following is an entry in ClinVar:

ClinVar aggregate classification (germline): Likely benign (0 of 4 stars; one submission).

Conditions:
ARID1A-related disorder. Also called: ARID1A-related condition.

Allele frequency attached by ClinVar (database versions not stated): gnomAD exomes 0.00001.
gnomAD v4.1: 21 of 1,614,206 alleles (0.0013%); highest among the groups gnomAD compares: Non-Finnish European, 0.0018%; no homozygotes.

Submission:

PreventionGenetics, part of Exact Sciences
Classification: Likely benign for ARID1A-related condition. Last evaluated: 2022-07-08. Review status: no assertion criteria provided. Collection method: clinical testing. Allele origin: germline.
Comment: This variant is classified as likely benign based on ACMG/AMP sequence variant interpretation guidelines (Richards et al. 2015 PMID: 25741868, with internal and published modifications).

NM_006015.6(ARID1A):c.4356G>A (p.Gln1452=)

Gene: ARID1A (AT-rich interaction domain 1A; plus strand). Cytogenetic location: 1p36.11.
Variant type: single nucleotide variant.
Coding change: c.4356G>A on transcript NM_006015.6 (MANE Select); coding-DNA position 4356, G replaced by A.
Protein change: p.Gln1452=; no amino-acid change (glutamine 1452 retained).
Molecular consequence: synonymous variant. On other transcripts: intron variant (1).
Genome position (GRCh38, 1-based): chr1:26,774,583, G>A. VCF-style: chr1-26774583-G-A. GRCh37 (hg19) VCF-style: chr1-27101074-G-A.
Other names: c.4102-397G>A (NM_139135.4).
Identifiers: ClinVar variation 3053663 (VCV003053663.2), dbSNP rs2081115918, ClinGen allele CA416967991.